The following is an entry in ClinVar:

NM_001267550.2(TTN):c.54078A>T (p.Ala18026=)

Genes: TTN (titin; minus strand), TTN-AS1 (TTN antisense RNA 1; plus strand). Cytogenetic location: 2q31.2.
Variant type: single nucleotide variant.
Coding change: c.54078A>T on transcript NM_001267550.2 (MANE Select); coding-DNA position 54078, A replaced by T.
Protein change: p.Ala18026=; no amino-acid change (alanine 18026 retained).
Molecular consequence: synonymous variant. On other transcripts: non-coding transcript variant (1).
Genome position (GRCh38, 1-based): chr2:178,605,099, T>A on the plus strand (A>T on the coding strand, the complement: TTN is on the minus strand). VCF-style: chr2-178605099-T-A. GRCh37 (hg19) VCF-style: chr2-179469826-T-A.
Other names: c.49155A>T, p.Ala16385= (NM_001256850.1); c.26883A>T, p.Ala8961= (NM_003319.4); c.46374A>T, p.Ala15458= (NM_133378.4); c.27258A>T, p.Ala9086= (NM_133432.3); c.27459A>T, p.Ala9153= (NM_133437.4).
Identifiers: ClinVar variation 700565 (VCV000700565.21), dbSNP rs747908048, ClinGen allele CA1993703.

ClinVar aggregate classification (germline): Conflicting classifications of pathogenicity. Review status: criteria provided, conflicting classifications (1 of 4 stars). 11 submissions from 7 submitters: Uncertain significance (3); Likely benign (6). 2 of the submissions do not count toward it. Last evaluated 2025-12-20.

Conditions:
TTN-related disorder. Also called: TTN-related condition; TTN-related disease; TTN-related disorders.
Autosomal recessive limb-girdle muscular dystrophy type 2J (LGMDR10). Also called: Limb-girdle muscular dystrophy, type 2J; MUSCULAR DYSTROPHY, LIMB-GIRDLE, AUTOSOMAL RECESSIVE 10. Identifiers: Orphanet 140922, MedGen C1837342, MONDO:0012127, OMIM 608807.
Dilated cardiomyopathy 1G (CMD1G). Identifiers: Orphanet 154, MedGen C1858763, MONDO:0011400, OMIM 604145.
Myopathy, myofibrillar, 9, with early respiratory failure (MFM9). Also called: Hereditary myopathy with early respiratory failure; MYOPATHY, PROXIMAL, WITH EARLY RESPIRATORY MUSCLE INVOLVEMENT; Myopathy, distal, with early respiratory failure, autosomal dominant; EDSTROM MYOPATHY. Identifiers: Orphanet 178464, Orphanet 34521, MedGen C1863599, MONDO:0011362, OMIM 603689.
Early-onset myopathy with fatal cardiomyopathy (CMYO5). Also called: Salih Myopathy; CONGENITAL MYOPATHY 5 WITH CARDIOMYOPATHY. Identifiers: Orphanet 289377, MedGen C2673677, MONDO:0012714, OMIM 611705. Disease mechanism: loss of function.
Cardiovascular phenotype. Identifiers: MedGen CN230736.
Tibial muscular dystrophy (TMD). Also called: Tibial muscular dystrophy, tardive; Udd Distal Myopathy – Tibial Muscular Dystrophy; UDD MYOPATHY. Identifiers: Orphanet 609, MedGen C1838244, MONDO:0010870, OMIM 600334.

Allele frequency attached by ClinVar (database versions not stated): ExAC 0.00006; TOPMed 0.00006; gnomAD exomes 0.00007 and 0.00015; gnomAD 0.00010 and 0.00011.
gnomAD v4.1: 224 of 1,612,702 alleles (0.014%); highest among the groups gnomAD compares: Non-Finnish European, 0.018%; no homozygotes.

Submissions (11):

Labcorp Genetics (formerly Invitae), Labcorp
Classification: Likely benign for Dilated cardiomyopathy 1G; Autosomal recessive limb-girdle muscular dystrophy type 2J. Last evaluated: 2025-12-20. Review status: criteria provided, single submitter. Criteria: Invitae Variant Classification Sherloc (09022015). Collection method: clinical testing. Allele origin: germline.

PreventionGenetics, part of Exact Sciences
Classification: Likely benign for TTN-related condition. Last evaluated: 2025-06-20. Review status: criteria provided, single submitter. Criteria: ACMG Guidelines, 2015. Collection method: clinical testing. Allele origin: germline.
Comment: This variant is classified as likely benign based on ACMG/AMP sequence variant interpretation guidelines (Richards et al. 2015 PMID: 25741868, with internal and published modifications).

Women's Health and Genetics/Laboratory Corporation of America, LabCorp
Classification: Likely benign. Last evaluated: 2023-05-18. Review status: criteria provided, single submitter. Criteria: LabCorp Variant Classification Summary - May 2015. Collection method: clinical testing. Allele origin: germline.

Ambry Genetics
Classification: Likely benign for Cardiovascular phenotype. Last evaluated: 2022-03-21. Review status: criteria provided, single submitter. Criteria: Ambry Variant Classification Scheme 2023. Collection method: clinical testing. Allele origin: germline.

Illumina Laboratory Services, Illumina
Classification: Uncertain significance for Dilated cardiomyopathy 1G. Last evaluated: 2018-01-13. Review status: criteria provided, single submitter. Criteria: ICSL Variant Classification Criteria 13 December 2019. Collection method: clinical testing. Allele origin: germline.

Illumina Laboratory Services, Illumina
Classification: Likely benign for Myopathy, myofibrillar, 9, with early respiratory failure. Last evaluated: 2018-01-13. Review status: criteria provided, single submitter. Criteria: ICSL Variant Classification Criteria 13 December 2019. Collection method: clinical testing. Allele origin: germline.
Comment: This variant was observed in the ICSL laboratory as part of a predisposition screen in an ostensibly healthy population. It had not been previously curated by ICSL or reported in the Human Gene Mutation Database (HGMD: prior to June 1st, 2018), and was therefore a candidate for classification through an automated scoring system. Utilizing variant allele frequency, disease prevalence and penetrance estimates, and inheritance mode, an automated score was calculated to assess if this variant is too frequent to cause the disease. Based on the score and internal cut-off values, a variant classified as likely benign is not then subjected to further curation. The score for this variant resulted in a classification of likely benign for this disease.

Illumina Laboratory Services, Illumina
Classification: Likely benign for Tibial muscular dystrophy. Last evaluated: 2018-01-13. Review status: criteria provided, single submitter. Criteria: ICSL Variant Classification Criteria 13 December 2019. Collection method: clinical testing. Allele origin: germline.
Comment: the same text as in the submission from Illumina Laboratory Services, Illumina above.

Illumina Laboratory Services, Illumina
Classification: Uncertain significance for Early-onset myopathy with fatal cardiomyopathy. Last evaluated: 2018-01-13. Review status: criteria provided, single submitter. Criteria: ICSL Variant Classification Criteria 13 December 2019. Collection method: clinical testing. Allele origin: germline.

Illumina Laboratory Services, Illumina
Classification: Uncertain significance for Autosomal recessive limb-girdle muscular dystrophy type 2J. Last evaluated: 2018-01-13. Review status: criteria provided, single submitter. Criteria: ICSL Variant Classification Criteria 13 December 2019. Collection method: clinical testing. Allele origin: germline.

Clinical Genetics, Academic Medical Center
Classification: Benign. Review status: no assertion criteria provided. Collection method: clinical testing. Allele origin: germline. Affected: yes. Study: VKGL Data-share Consensus. Not counted in ClinVar's aggregate classification.

Joint Genome Diagnostic Labs from Nijmegen and Maastricht, Radboudumc and MUMC+
Classification: Likely benign. Review status: no assertion criteria provided. Collection method: clinical testing. Allele origin: germline. Affected: yes. Study: VKGL Data-share Consensus. Not counted in ClinVar's aggregate classification.